The following is an entry in ClinVar:

NM_001267550.2(TTN):c.40587A>G (p.Glu13529=)

Gene: TTN (titin; minus strand). Cytogenetic location: 2q31.2.
Variant type: single nucleotide variant.
Coding change: c.40587A>G on transcript NM_001267550.2 (MANE Select); coding-DNA position 40587, A replaced by G.
Protein change: p.Glu13529=; no amino-acid change (glutamic acid 13529 retained).
Molecular consequence: synonymous variant.
Genome position (GRCh38, 1-based): chr2:178,641,287, T>C on the plus strand (A>G on the coding strand, the complement: TTN is on the minus strand). VCF-style: chr2-178641287-T-C. GRCh37 (hg19) VCF-style: chr2-179506014-T-C.
Other names: p.Glu11888=; c.35664A>G, p.Glu11888= (NM_001256850.1); c.13392A>G, p.Glu4464= (NM_003319.4); c.32883A>G, p.Glu10961= (NM_133378.4); c.13767A>G, p.Glu4589= (NM_133432.3); c.13968A>G, p.Glu4656= (NM_133437.4).
Identifiers: ClinVar variation 46936 (VCV000046936.60), dbSNP rs370597107, ClinGen allele CA139568.

ClinVar aggregate classification (germline): Conflicting classifications of pathogenicity. Review status: criteria provided, conflicting classifications (1 of 4 stars). 18 submissions from 14 submitters: Uncertain significance (3); Benign (4); Likely benign (8). 3 of the submissions do not count toward it. Last evaluated 2026-07-01.

Conditions:
Cardiovascular phenotype. Identifiers: MedGen CN230736.
Autosomal recessive limb-girdle muscular dystrophy type 2J (LGMDR10). Also called: MUSCULAR DYSTROPHY, LIMB-GIRDLE, AUTOSOMAL RECESSIVE 10; Limb-girdle muscular dystrophy, type 2J. Identifiers: Orphanet 140922, MedGen C1837342, MONDO:0012127, OMIM 608807.
Dilated cardiomyopathy 1G (CMD1G). Identifiers: Orphanet 154, MedGen C1858763, MONDO:0011400, OMIM 604145.
Cardiomyopathy (CMYO). Also called: Cardiomyopathies. Identifiers: Orphanet 167848, MedGen C0878544, MONDO:0004994, HP:0001638. Inheritance: Various modes of inheritance.
Early-onset myopathy with fatal cardiomyopathy (CMYO5). Also called: CONGENITAL MYOPATHY 5 WITH CARDIOMYOPATHY; Salih Myopathy. Identifiers: Orphanet 289377, MedGen C2673677, MONDO:0012714, OMIM 611705. Disease mechanism: loss of function.
Myopathy, myofibrillar, 9, with early respiratory failure (MFM9). Also called: Myopathy, distal, with early respiratory failure, autosomal dominant; Hereditary myopathy with early respiratory failure; EDSTROM MYOPATHY; MYOPATHY, PROXIMAL, WITH EARLY RESPIRATORY MUSCLE INVOLVEMENT. Identifiers: Orphanet 178464, Orphanet 34521, MedGen C1863599, MONDO:0011362, OMIM 603689.
Tibial muscular dystrophy (TMD). Also called: Tibial muscular dystrophy, tardive; Udd Distal Myopathy – Tibial Muscular Dystrophy; UDD MYOPATHY. Identifiers: Orphanet 609, MedGen C1838244, MONDO:0010870, OMIM 600334.

Allele frequency attached by ClinVar (database versions not stated): gnomAD exomes 0.00012 and 0.00037; ExAC 0.00058; 1000 Genomes Project 0.00080; gnomAD 0.00163 and 0.00145; ESP Exome Variant Server 0.00139; 1000 Genomes Project 30x 0.00062; TOPMed 0.00155.
gnomAD v4.1: 382 of 1,509,632 alleles (0.025%); highest among the groups gnomAD compares: African/African-American, 0.49%; 1 homozygote.

Submissions (18):

CeGaT Center for Human Genetics Tuebingen
Classification: Likely benign. Last evaluated: 2026-07-01. Review status: criteria provided, single submitter. Criteria: CeGaT Center For Human Genetics Tuebingen Variant Classification Criteria Version 2. Collection method: clinical testing. Allele origin: germline. Affected: yes. Observed: 3 variant alleles.
Comment: TTN: BP4, BP7

Labcorp Genetics (formerly Invitae), Labcorp
Classification: Likely benign for Dilated cardiomyopathy 1G; Autosomal recessive limb-girdle muscular dystrophy type 2J. Last evaluated: 2026-02-03. Review status: criteria provided, single submitter. Criteria: Invitae Variant Classification Sherloc (09022015). Collection method: clinical testing. Allele origin: germline.

Mayo Clinic Laboratories, Mayo Clinic
Classification: Likely benign. Last evaluated: 2024-07-25. Review status: criteria provided, single submitter. Criteria: ACMG Guidelines, 2015. Collection method: clinical testing. Allele origin: germline. Observed: 4 variant alleles.
Comment: BS1, BP4, BP7

Blueprint Genetics
Classification: Likely benign. Last evaluated: 2024-02-23. Review status: criteria provided, single submitter. Criteria: ACMG Guidelines, 2015. Collection method: clinical testing. Allele origin: germline.

GeneDx
Classification: Likely benign. Last evaluated: 2020-09-28. Review status: criteria provided, single submitter. Criteria: GeneDx Variant Classification Process June 2021. Collection method: clinical testing. Allele origin: germline. Affected: yes.

Women's Health and Genetics/Laboratory Corporation of America, LabCorp
Classification: Likely benign. Last evaluated: 2020-08-08. Review status: criteria provided, single submitter. Criteria: LabCorp Variant Classification Summary - May 2015. Collection method: clinical testing. Allele origin: germline.

Illumina Laboratory Services, Illumina
Classification: Uncertain significance for Autosomal recessive limb-girdle muscular dystrophy type 2J. Last evaluated: 2018-01-12. Review status: criteria provided, single submitter. Criteria: ICSL Variant Classification Criteria 13 December 2019. Collection method: clinical testing. Allele origin: germline.

Illumina Laboratory Services, Illumina
Classification: Benign for Myopathy, myofibrillar, 9, with early respiratory failure. Last evaluated: 2018-01-12. Review status: criteria provided, single submitter. Criteria: ICSL Variant Classification Criteria 13 December 2019. Collection method: clinical testing. Allele origin: germline.
Comment: This variant was observed in the ICSL laboratory as part of a predisposition screen in an ostensibly healthy population. It had not been previously curated by ICSL or reported in the Human Gene Mutation Database (HGMD: prior to June 1st, 2018), and was therefore a candidate for classification through an automated scoring system. Utilizing variant allele frequency, disease prevalence and penetrance estimates, and inheritance mode, an automated score was calculated to assess if this variant is too frequent to cause the disease. Based on the score and internal cut-off values, a variant classified as benign is not then subjected to further curation. The score for this variant resulted in a classification of benign for this disease.

Illumina Laboratory Services, Illumina
Classification: Uncertain significance for Early-onset myopathy with fatal cardiomyopathy. Last evaluated: 2018-01-12. Review status: criteria provided, single submitter. Criteria: ICSL Variant Classification Criteria 13 December 2019. Collection method: clinical testing. Allele origin: germline.

Illumina Laboratory Services, Illumina
Classification: Uncertain significance for Dilated cardiomyopathy 1G. Last evaluated: 2018-01-12. Review status: criteria provided, single submitter. Criteria: ICSL Variant Classification Criteria 13 December 2019. Collection method: clinical testing. Allele origin: germline.

Illumina Laboratory Services, Illumina
Classification: Benign for Tibial muscular dystrophy. Last evaluated: 2018-01-12. Review status: criteria provided, single submitter. Criteria: ICSL Variant Classification Criteria 13 December 2019. Collection method: clinical testing. Allele origin: germline.
Comment: the same text as in the submission from Illumina Laboratory Services, Illumina above.

Eurofins Ntd Llc (ga)
Classification: Likely benign. Last evaluated: 2016-08-18. Review status: criteria provided, single submitter. Criteria: EGL Classification Definitions 2015. Collection method: clinical testing. Allele origin: germline. Observed: 4 variant alleles, 4 heterozygotes.

Ambry Genetics
Classification: Likely benign for Cardiovascular phenotype. Last evaluated: 2016-03-15. Review status: criteria provided, single submitter. Criteria: Ambry Variant Classification Scheme 2023. Collection method: clinical testing. Allele origin: germline.

CHEO Genetics Diagnostic Laboratory, Children's Hospital of Eastern Ontario
Classification: Benign for Cardiomyopathy. Last evaluated: 2015-12-30. Review status: criteria provided, single submitter. Criteria: ACMG Guidelines, 2015. Collection method: clinical testing. Allele origin: germline. Study: Canadian Open Genetics Repository.

Laboratory for Molecular Medicine, Mass General Brigham Personalized Medicine
Classification: Benign. Last evaluated: 2012-02-17. Review status: criteria provided, single submitter. Criteria: LMM Criteria. Collection method: clinical testing. Allele origin: germline. Observed: 3 variant alleles.
Comment: Glu10961Glu in exon 169 of TTN: This variant is not expected to have clinical si gnificance because it does not alter an amino acid residue and has been identifi ed in 0.4% (12/2816) of African American chromosomes from a broad population by the NHLBI Exome Sequencing Project.

Clinical Genetics DNA and cytogenetics Diagnostics Lab, Erasmus MC, Erasmus Medical Center
Classification: Likely benign. Review status: no assertion criteria provided. Collection method: clinical testing. Allele origin: germline. Affected: yes. Study: VKGL Data-share Consensus. Not counted in ClinVar's aggregate classification.

Clinical Genetics, Academic Medical Center
Classification: Benign. Review status: no assertion criteria provided. Collection method: clinical testing. Allele origin: germline. Affected: yes. Study: VKGL Data-share Consensus. Not counted in ClinVar's aggregate classification.

Diagnostic Laboratory, Department of Genetics, University Medical Center Groningen
Classification: Likely benign. Review status: no assertion criteria provided. Collection method: clinical testing. Allele origin: germline. Affected: yes. Study: VKGL Data-share Consensus. Not counted in ClinVar's aggregate classification.